The following is an entry in ClinVar:

ClinVar aggregate classification (germline): Uncertain significance (1 of 4 stars; one submission).

Conditions:
Joubert syndrome. Also called: CEREBELLOPARENCHYMAL DISORDER IV; JOUBERT-BOLTSHAUSER SYNDROME; Familial aplasia of the vermis. Identifiers: Orphanet 475, MedGen C5979921, MONDO:0018772.
Orofaciodigital syndrome I (OFD1). Also called: OFDS I; Papillon-Leage and Psaume Syndrome; Oral-Facial-Digital Syndrome Type I. Identifiers: Orphanet 2750, MedGen C1510460, MONDO:0010702, OMIM 311200.

Allele frequency attached by ClinVar (database versions not stated): gnomAD exomes below 0.00001.
gnomAD v4.1: 2 of 1,211,473 alleles (0.00017%); highest among the groups gnomAD compares: Non-Finnish European, 0.00022%; no homozygotes.

Submission:

Labcorp Genetics (formerly Invitae), Labcorp
Classification: Uncertain significance for Orofaciodigital syndrome I; Joubert syndrome. Last evaluated: 2022-02-24. Review status: criteria provided, single submitter. Criteria: Invitae Variant Classification Sherloc (09022015). Collection method: clinical testing. Allele origin: germline.
Comment: In summary, the available evidence is currently insufficient to determine the role of this variant in disease. Therefore, it has been classified as a Variant of Uncertain Significance. Algorithms developed to predict the effect of missense changes on protein structure and function are either unavailable or do not agree on the potential impact of this missense change (SIFT: "Deleterious"; PolyPhen-2: "Possibly Damaging"; Align-GVGD: "Class C0"). This variant has not been reported in the literature in individuals affected with OFD1-related conditions. This variant is not present in population databases (gnomAD no frequency). This sequence change replaces proline, which is neutral and non-polar, with serine, which is neutral and polar, at codon 580 of the OFD1 protein (p.Pro580Ser).

NM_003611.3(OFD1):c.1738C>T (p.Pro580Ser)

Gene: OFD1 (OFD1 centriole and centriolar satellite protein; plus strand). Cytogenetic location: Xp22.2.
Variant type: single nucleotide variant.
Coding change: c.1738C>T on transcript NM_003611.3 (MANE Select); coding-DNA position 1738, C replaced by T.
Protein change: p.Pro580Ser; replaces proline 580 with serine.
Molecular consequence: missense variant.
Genome position (GRCh38, 1-based): chrX:13,760,198, C>T. VCF-style: chrX-13760198-C-T. GRCh37 (hg19) VCF-style: chrX-13778317-C-T.
Other names: c.1618C>T, p.Pro540Ser (NM_001330209.2); c.1318C>T, p.Pro440Ser (NM_001330210.2); short protein forms P540S, P580S, P440S.
Identifiers: ClinVar variation 1368720 (VCV001368720.8), dbSNP rs2047873725, ClinGen allele CA412343716.